The following is an entry in ClinVar:

NM_201384.3(PLEC):c.3915C>T (p.Val1305=)

Gene: PLEC (plectin; minus strand). Cytogenetic location: 8q24.3.
Variant type: single nucleotide variant.
Coding change: c.3915C>T on transcript NM_201384.3 (MANE Select); coding-DNA position 3915, C replaced by T.
Protein change: p.Val1305=; no amino-acid change (valine 1305 retained).
Molecular consequence: synonymous variant.
Genome position (GRCh38, 1-based): chr8:143,927,007, G>A on the plus strand (C>T on the coding strand, the complement: PLEC is on the minus strand). VCF-style: chr8-143927007-G-A. GRCh37 (hg19) VCF-style: chr8-145001175-G-A.
Other names: c.3996C>T, p.Val1332= (NM_000445.5); c.3873C>T, p.Val1291= (NM_201378.4); c.3849C>T, p.Val1283= (NM_201379.3); c.4326C>T, p.Val1442= (NM_201380.4); c.3819C>T, p.Val1273= (NM_201381.3); c.3915C>T, p.Val1305= (NM_201382.4); c.3927C>T, p.Val1309= (NM_201383.3).
Identifiers: ClinVar variation 436326 (VCV000436326.17), dbSNP rs377758049, ClinGen allele CA4926857.
Genomic context (GRCh38, chr8:143,927,007, plus strand): 5'-CTCACCCAGTTAGGTTCGGCCCCACCCTACCTCCTGGATGACACTCTCTGATCCCGACTG[G>A]ACCTTGGGCTTCTTGGCCGGGGAGGCCACCGGCTCAAGCTGCGCCTTGTACGTCACCAGC-3'
Protein context (NP_958786.1, residues 1295-1315): PVASPAKKPK[Val1305=]QSGSESVIQE

ClinVar aggregate classification (germline): Likely benign. Review status: criteria provided, multiple submitters, no conflicts (2 of 4 stars). 4 submissions from 4 submitters: Likely benign (4). Last evaluated 2025-06-02.

Conditions:
PLEC-related disorder. Also called: PLEC-related condition; PLEC-related disorders.
Autosomal recessive limb-girdle muscular dystrophy type 2Q (LGMDR17). Also called: MUSCULAR DYSTROPHY, LIMB-GIRDLE, AUTOSOMAL RECESSIVE 17. Identifiers: Orphanet 254361, MedGen C3150989, MONDO:0013390, OMIM 613723.
Epidermolysis bullosa simplex, Ogna type (EBS5A). Also called: Pidermolysis bullosa simplex 5A, Ogna type; EPIDERMOLYSIS BULLOSA SIMPLEX 5A, OGNA TYPE. Identifiers: Orphanet 79401, MedGen C0432317, MONDO:0007555, OMIM 131950.
Epidermolysis bullosa simplex with nail dystrophy (EBS5D). Identifiers: MedGen C4225309, MONDO:0014661, OMIM 616487.
Epidermolysis bullosa simplex 5C, with pyloric atresia (EBS5C). Also called: PLEC1-Related Epidermolysis Bullosa with Pyloric Atresia; PLEC-Related Epidermolysis Bullosa with Pyloric Atresia; Epidermolysis bullosa simplex with pyloric atresia. Identifiers: Orphanet 158684, MedGen C2677349, MONDO:0012807, OMIM 612138.
Epidermolysis bullosa simplex 5B, with muscular dystrophy (EBS5B). Also called: EPIDERMOLYSIS BULLOSA SIMPLEX AND LIMB-GIRDLE MUSCULAR DYSTROPHY; Epidermolysis bullosa simplex with muscular dystrophy. Identifiers: Orphanet 257, MedGen C2931072, MONDO:0009181, OMIM 226670.

Allele frequency attached by ClinVar (database versions not stated): TOPMed 0.00003; gnomAD 0.00006; ESP Exome Variant Server 0.00008; gnomAD exomes 0.00011 and 0.00014; ExAC 0.00018.

Submissions (4):

PreventionGenetics, part of Exact Sciences
Classification: Likely benign for PLEC-related condition. Last evaluated: 2025-06-02. Review status: criteria provided, single submitter. Criteria: ACMG Guidelines, 2015. Collection method: clinical testing. Allele origin: germline.
Comment: This variant is classified as likely benign based on ACMG/AMP sequence variant interpretation guidelines (Richards et al. 2015 PMID: 25741868, with internal and published modifications).

Labcorp Genetics (formerly Invitae), Labcorp
Classification: Likely benign for Autosomal recessive limb-girdle muscular dystrophy type 2Q; Epidermolysis bullosa simplex, Ogna type; Epidermolysis bullosa simplex with nail dystrophy; Epidermolysis bullosa simplex 5C, with pyloric atresia; Epidermolysis bullosa simplex 5B, with muscular dystrophy. Last evaluated: 2024-12-11. Review status: criteria provided, single submitter. Criteria: Invitae Variant Classification Sherloc (09022015). Collection method: clinical testing. Allele origin: germline.

Blueprint Genetics
Classification: Likely benign. Last evaluated: 2024-10-25. Review status: criteria provided, single submitter. Criteria: ACMG Guidelines, 2015. Collection method: clinical testing. Allele origin: germline.

Genetic Services Laboratory, University of Chicago
Classification: Likely benign. Last evaluated: 2017-02-02. Review status: criteria provided, single submitter. Criteria: ACMG Guidelines, 2015. Collection method: clinical testing. Allele origin: germline. Affected: no.